The following is an entry in ClinVar:

ClinVar aggregate classification (germline): Likely pathogenic (1 of 4 stars; one submission).

Submission:

Athena Diagnostics
Classification: Likely pathogenic. Last evaluated: 2024-05-16. Review status: criteria provided, single submitter. Criteria: Athena Diagnostics Criteria. Collection method: clinical testing. Allele origin: unknown.
Comment: This variant has not been reported in large, multi-ethnic general populations. This variant is expected to result in the loss of a functional protein. These type of variants in SCN4A have been reported in the literature to be associated with autosomal recessive congenital myopathy (PMID: 34671263).

NM_000334.4(SCN4A):c.535C>T (p.Arg179Ter)

Gene: SCN4A (sodium voltage-gated channel alpha subunit 4; minus strand). Cytogenetic location: 17q23.3.
Variant type: single nucleotide variant.
Coding change: c.535C>T on transcript NM_000334.4 (MANE Select); coding-DNA position 535, C replaced by T.
Protein change: p.Arg179Ter; replaces arginine 179 with a stop codon.
Molecular consequence: nonsense.
Genome position (GRCh38, 1-based): chr17:63,971,798, G>A on the plus strand (C>T on the coding strand, the complement: SCN4A is on the minus strand). VCF-style: chr17-63971798-G-A. GRCh37 (hg19) VCF-style: chr17-62049158-G-A.
Other names: short protein forms R179*.
Identifiers: ClinVar variation 3571511 (VCV003571511.1).